The following is an entry in ClinVar:

NM_001303256.3(MORC2):c.633G>C (p.Glu211Asp)

Gene: MORC2 (MORC family CW-type zinc finger 2; minus strand). Cytogenetic location: 22q12.2.
Variant type: single nucleotide variant.
Coding change: c.633G>C on transcript NM_001303256.3 (MANE Select); coding-DNA position 633, G replaced by C.
Protein change: p.Glu211Asp; replaces glutamic acid 211 with aspartic acid.
Molecular consequence: missense variant.
Genome position (GRCh38, 1-based): chr22:30,941,956, C>G on the plus strand (G>C on the coding strand, the complement: MORC2 is on the minus strand). VCF-style: chr22-30941956-C-G. GRCh37 (hg19) VCF-style: chr22-31337943-C-G.
Other names: c.633G>C (NM_001303256.2); c.633G>C, p.Glu211Asp (NM_001303257.2); c.447G>C, p.Glu149Asp (NM_014941.3); short protein forms E149D, E211D.
Identifiers: ClinVar variation 1408086 (VCV001408086.8), dbSNP rs1049739010, ClinGen allele CA323278389.

ClinVar aggregate classification (germline): Uncertain significance. Review status: criteria provided, multiple submitters, no conflicts (2 of 4 stars). 2 submissions from 2 submitters: Uncertain significance (2). Last evaluated 2025-04-30.

Conditions:
MORC2-related disorder. Also called: MORC2-related condition.
Charcot-Marie-Tooth disease axonal type 2Z. Also called: CHARCOT-MARIE-TOOTH DISEASE, AXONAL, AUTOSOMAL DOMINANT, TYPE 2Z; CHARCOT-MARIE-TOOTH NEUROPATHY, TYPE 2Z. Identifiers: Orphanet 466768, MedGen C5569025, MONDO:0014736, OMIM 616688.

Allele frequency attached by ClinVar (database versions not stated): gnomAD exomes below 0.00001; TOPMed 0.00001.
gnomAD v4.1: 3 of 1,614,048 alleles (0.00019%); highest among the groups gnomAD compares: Non-Finnish European, 0.000085%; no homozygotes.

Submissions (2):

Labcorp Genetics (formerly Invitae), Labcorp
Classification: Uncertain significance for Charcot-Marie-Tooth disease axonal type 2Z. Last evaluated: 2025-04-30. Review status: criteria provided, single submitter. Criteria: Invitae Variant Classification Sherloc (09022015). Collection method: clinical testing. Allele origin: germline.
Comment: This sequence change replaces glutamic acid, which is acidic and polar, with aspartic acid, which is acidic and polar, at codon 211 of the MORC2 protein (p.Glu211Asp). This variant is present in population databases (no rsID available, gnomAD 0.0009%). This variant has not been reported in the literature in individuals affected with MORC2-related conditions. ClinVar contains an entry for this variant (Variation ID: 1408086). Invitae Evidence Modeling of protein sequence and biophysical properties (such as structural, functional, and spatial information, amino acid conservation, physicochemical variation, residue mobility, and thermodynamic stability) indicates that this missense variant is expected to disrupt MORC2 protein function with a positive predictive value of 80%. In summary, the available evidence is currently insufficient to determine the role of this variant in disease. Therefore, it has been classified as a Variant of Uncertain Significance.

PreventionGenetics, part of Exact Sciences
Classification: Uncertain significance for MORC2-related condition. Last evaluated: 2025-04-14. Review status: criteria provided, single submitter. Criteria: ACMG Guidelines, 2015. Collection method: clinical testing. Allele origin: germline.
Comment: The MORC2 c.633G>C variant is predicted to result in the amino acid substitution p.Glu211Asp. To our knowledge, this variant has not been reported in the literature. This variant is reported in 0.00088% of alleles in individuals of European (Non-Finnish) descent in gnomAD. At this time, the clinical significance of this variant is uncertain due to the absence of conclusive functional and genetic evidence.